The following is an entry in ClinVar:

ClinVar aggregate classification (germline): Pathogenic. Review status: criteria provided, single submitter (1 of 4 stars). 2 submissions from 2 submitters: Pathogenic (1). 1 of the submissions does not count toward it. Last evaluated 2025-08-06.

Conditions:
COL2A1-related disorder. Also called: COL2A1-related condition; COL2A1-related disorders.

Submissions (2):

Labcorp Genetics (formerly Invitae), Labcorp
Classification: Pathogenic. Last evaluated: 2025-08-06. Review status: criteria provided, single submitter. Criteria: Invitae Variant Classification Sherloc (09022015). Collection method: clinical testing. Allele origin: germline.
Comment: This sequence change creates a premature translational stop signal (p.Gly1089Argfs*28) in the COL2A1 gene. It is expected to result in an absent or disrupted protein product. Loss-of-function variants in COL2A1 are known to be pathogenic (PMID: 20179744). This variant is not present in population databases (gnomAD no frequency). This premature translational stop signal has been observed in individual(s) with Stickler syndrome (PMID: 20513134). For these reasons, this variant has been classified as Pathogenic.

PreventionGenetics, part of Exact Sciences
Classification: Likely pathogenic for COL2A1-related condition. Last evaluated: 2023-12-05. Review status: no assertion criteria provided. Collection method: clinical testing. Allele origin: germline. Not counted in ClinVar's aggregate classification.
Comment: The COL2A1 c.3264_3265delAG variant is predicted to result in a frameshift and premature protein termination (p.Gly1089Argfs*28). This variant was reported in one family with Stickler syndrome (Richards et. al 2010. PubMed ID: 20513134). This variant has not been reported in a large population database, indicating this variant is rare. Frameshift variants in COL2A1 are expected to be pathogenic. This variant is interpreted as likely pathogenic.

Literature cited by the submitters: PubMed 20179744 (cited by Labcorp Genetics (formerly Invitae), Labcorp); PubMed 20513134 (cited by Labcorp Genetics (formerly Invitae), Labcorp).

NM_001844.5(COL2A1):c.3264_3265del (p.Gly1089fs)

Gene: COL2A1 (collagen type II alpha 1 chain; minus strand). Cytogenetic location: 12q13.11.
Variant type: Microsatellite.
Coding change: c.3264_3265del on transcript NM_001844.5 (MANE Select); coding-DNA positions 3264 to 3265, 2 bases deleted (AG; older notation c.3264_3265delAG).
Protein change: p.Gly1089fs; shifts the reading frame from glycine 1089.
Molecular consequence: frameshift variant.
Genome position (GRCh38, 1-based): chr12:47,977,328-47,977,329, CT deleted on the plus strand (AG on the coding strand, the reverse complement: COL2A1 is on the minus strand); deleting any 2 consecutive bases within chr12:47,977,328-47,977,331 gives the same sequence; the c. name uses the placement nearest the transcript's 3' end. VCF-style (leftmost placement, unchanged base first): chr12-47977327-CCT-C. GRCh37 (hg19) VCF-style: chr12-48371110-CCT-C.
Other names: c.3264_3265delAG (NM_001844.4); c.3057_3058del, p.Gly1020fs (NM_033150.3); short protein forms G1020fs, G1089fs.
Identifiers: ClinVar variation 2735840 (VCV002735840.5), dbSNP rs2540107709, ClinGen allele CA2695216636.
Genomic context (GRCh38, chr12:47,977,327, plus strand): 5'-CTCAGCCCCACCGCGCAGGGGAAGGCGGCTTTTACTGAATTCAGGATACTTACAGCTTCT[CCT>C]CTGTCTCCTTGCTTGCCAGTTGGACCAGCGGGGCCAGGGGAGCCAGGGGGCCCAGGGGCT-3'